The following is an entry in ClinVar:

ClinVar aggregate classification (germline): Pathogenic (1 of 4 stars; one submission).

Conditions:
Rare genetic deafness. Identifiers: Orphanet 96210, MedGen C5680250.

Submission:

Laboratory for Molecular Medicine, Mass General Brigham Personalized Medicine
Classification: Pathogenic for Rare genetic deafness. Last evaluated: 2013-02-12. Review status: criteria provided, single submitter. Criteria: LMM Criteria. Collection method: clinical testing. Allele origin: germline. Inheritance: Autosomal recessive inheritance. Observed: 1 variant allele.
Comment: The c.(?_18153-15)_(*15_?)del variant in GPR98 has not been reported in the lite rature nor previously identified by our laboratory. This variant is a deletion o f exons 86-90 of GPR98 and is predicted to result in a truncated or absent prote in. Homozygous exon or multi-exon deletions in GPR98 have been reported in indiv iduals affected with Usher syndrome type II and cosegregate with disease in fami lies (Hilgert 2009, Stabej 2012). In summary, this variant meets our criteria to be classified as pathogenic.

Literature cited by the submitters: PubMed 19357116; PubMed 22135276.

NC_000005.10:g.(?_91072432)_(91163915_?)del

Genes: ADGRV1 (adhesion G protein-coupled receptor V1; plus strand), LOC129994208 (ATAC-STARR-seq lymphoblastoid active region 22784; plus strand), LOC129994207 (ATAC-STARR-seq lymphoblastoid active region 22783; plus strand). Cytogenetic location: 5q14.3.
Variant type: Deletion.
Identifiers: ClinVar variation 178693 (VCV000178693.4).